The following is an entry in ClinVar:

NM_020117.11(LARS1):c.3097-10G>A

Gene: LARS1 (leucyl-tRNA synthetase 1; minus strand). Cytogenetic location: 5q32.
Variant type: single nucleotide variant.
Coding change: c.3097-10G>A on transcript NM_020117.11 (MANE Select); 10 bases into the intron before coding-DNA position 3097, G replaced by A.
Molecular consequence: intron variant.
Genome position (GRCh38, 1-based): chr5:146,122,597, C>T on the plus strand (G>A on the coding strand, the complement: LARS1 is on the minus strand). VCF-style: chr5-146122597-C-T. GRCh37 (hg19) VCF-style: chr5-145502160-C-T.
Other names: c.2935-10G>A (NM_001317965.2); c.3016-10G>A (NM_016460.4); c.2959-10G>A (NM_001317964.2).
Identifiers: ClinVar variation 506828 (VCV000506828.9), dbSNP rs534430761, ClinGen allele CA3489117.

ClinVar aggregate classification (germline): Benign/Likely benign. Review status: criteria provided, multiple submitters, no conflicts (2 of 4 stars). 3 submissions from 3 submitters: Benign (1); Likely benign (1). 1 of the submissions does not count toward it. Last evaluated 2025-12-13.

Conditions:
LARS1-related disorder. Also called: LARS1-related condition.

Allele frequency attached by ClinVar (database versions not stated): gnomAD 0.00009 and 0.00015; TOPMed 0.00010; 1000 Genomes Project 30x 0.00016; 1000 Genomes Project 0.00020; ExAC 0.00037; gnomAD exomes 0.00039.
gnomAD v4.1: 290 of 1,538,030 alleles (0.019%); highest among the groups gnomAD compares: South Asian, 0.23%; 6 homozygotes.

Submissions (3):

Labcorp Genetics (formerly Invitae), Labcorp
Classification: Benign. Last evaluated: 2025-12-13. Review status: criteria provided, single submitter. Criteria: Invitae Variant Classification Sherloc (09022015). Collection method: clinical testing. Allele origin: germline.

GeneDx
Classification: Likely benign. Last evaluated: 2021-05-10. Review status: criteria provided, single submitter. Criteria: GeneDx Variant Classification Process June 2021. Collection method: clinical testing. Allele origin: germline. Affected: yes.

PreventionGenetics, part of Exact Sciences
Classification: Likely benign for LARS1-related condition. Last evaluated: 2019-02-20. Review status: no assertion criteria provided. Collection method: clinical testing. Allele origin: germline. Not counted in ClinVar's aggregate classification.
Comment: This variant is classified as likely benign based on ACMG/AMP sequence variant interpretation guidelines (Richards et al. 2015 PMID: 25741868, with internal and published modifications).